The following is an entry in ClinVar:

NM_001018111.3(PODXL):c.896C>T (p.Thr299Met)

Gene: PODXL (podocalyxin like; minus strand). Cytogenetic location: 7q32.3.
Variant type: single nucleotide variant.
Coding change: c.896C>T on transcript NM_001018111.3 (MANE Select); coding-DNA position 896, C replaced by T.
Protein change: p.Thr299Met; replaces threonine 299 with methionine.
Molecular consequence: missense variant.
Genome position (GRCh38, 1-based): chr7:131,509,492, G>A on the plus strand (C>T on the coding strand, the complement: PODXL is on the minus strand). VCF-style: chr7-131509492-G-A. GRCh37 (hg19) VCF-style: chr7-131194251-G-A.
Other names: p.Thr267Met; c.800C>T, p.Thr267Met (NM_005397.4); short protein forms T267M, T299M.
Identifiers: ClinVar variation 1639827 (VCV001639827.9), dbSNP rs377310580, ClinGen allele CA4488591.

ClinVar aggregate classification (germline): Conflicting classifications of pathogenicity. Review status: criteria provided, conflicting classifications (1 of 4 stars). 2 submissions from 2 submitters: Uncertain significance (1); Likely benign (1). Last evaluated 2026-01-19.

Allele frequency attached by ClinVar (database versions not stated): ESP Exome Variant Server 0.00023; gnomAD exomes 0.00024 and 0.00032; ExAC 0.00026; gnomAD 0.00035 and 0.00036; TOPMed 0.00049.
gnomAD v4.1: 431 of 1,613,690 alleles (0.027%); highest among the groups gnomAD compares: Middle Eastern, 0.23%; no homozygotes.

Submissions (2):

Labcorp Genetics (formerly Invitae), Labcorp
Classification: Likely benign. Last evaluated: 2026-01-19. Review status: criteria provided, single submitter. Criteria: Invitae Variant Classification Sherloc (09022015). Collection method: clinical testing. Allele origin: germline.

Mayo Clinic Laboratories, Mayo Clinic
Classification: Uncertain significance. Last evaluated: 2025-05-15. Review status: criteria provided, single submitter. Criteria: ACMG Guidelines, 2015. Collection method: clinical testing. Allele origin: germline. Observed: 1 variant allele.
Comment: BP4_moderate